The following is an entry in ClinVar:

ClinVar aggregate classification (germline): Likely benign. Review status: criteria provided, multiple submitters, no conflicts (2 of 4 stars). 3 submissions from 3 submitters: Likely benign (2). 1 of the submissions does not count toward it. Last evaluated 2025-12-10.

Conditions:
Fanconi anemia (FA). Also called: Fanconi's anemia. Identifiers: Orphanet 84, MedGen C0015625, MeSH D005199, MONDO:0019391.
VHL-related disorder. Also called: VHL-related condition.

Allele frequency attached by ClinVar (database versions not stated): gnomAD 0.00001 and 0.00005; TOPMed 0.00003; gnomAD exomes 0.00008 and 0.00010; ExAC 0.00013; 1000 Genomes Project 30x 0.00031; 1000 Genomes Project 0.00040.
gnomAD v4.1: 119 of 1,572,300 alleles (0.0076%); highest among the groups gnomAD compares: East Asian, 0.26%; 1 homozygote.

Submissions (3):

Labcorp Genetics (formerly Invitae), Labcorp
Classification: Likely benign for Fanconi anemia. Last evaluated: 2025-12-10. Review status: criteria provided, single submitter. Criteria: Invitae Variant Classification Sherloc (09022015). Collection method: clinical testing. Allele origin: germline.

Sema4
Classification: Likely benign for Fanconi anemia. Last evaluated: 2022-02-04. Review status: criteria provided, single submitter. Criteria: Sema4 Curation Guidelines. Collection method: curation. Allele origin: germline.

PreventionGenetics, part of Exact Sciences
Classification: Likely benign for VHL-related condition. Last evaluated: 2024-06-19. Review status: no assertion criteria provided. Collection method: clinical testing. Allele origin: germline. Not counted in ClinVar's aggregate classification.
Comment: This variant is classified as likely benign based on ACMG/AMP sequence variant interpretation guidelines (Richards et al. 2015 PMID: 25741868, with internal and published modifications).

NM_001018115.3(FANCD2):c.1546-7T>A

Genes: VHL (von Hippel-Lindau tumor suppressor; plus strand), FANCD2 (FA complementation group D2; plus strand), LOC107303338 (3p25 FANCD2 Alu-mediated recombination region; plus strand). Cytogenetic location: 3p25.3.
Variant type: single nucleotide variant.
Coding change: c.1546-7T>A on transcript NM_001018115.3 (MANE Select); 7 bases into the intron before coding-DNA position 1546, T replaced by A.
Molecular consequence: intron variant.
Genome position (GRCh38, 1-based): chr3:10,052,380, T>A. VCF-style: chr3-10052380-T-A. GRCh37 (hg19) VCF-style: chr3-10094064-T-A.
Other names: c.1546-7T>A (NM_001319984.2, NM_033084.6, NM_001374254.1); c.1545+2875T>A (NM_001374253.1).
Identifiers: ClinVar variation 1121942 (VCV001121942.11), dbSNP rs548887691, ClinGen allele CA2249712.